The following is an entry in ClinVar:

NM_000051.4(ATM):c.9070_*53del (p.Thr3024fs)

Genes: ATM (ATM serine/threonine kinase; plus strand), C11orf65 (chromosome 11 open reading frame 65; minus strand). Cytogenetic location: 11q22.3.
Variant type: Deletion.
Coding change: c.9070_*53del on transcript NM_000051.4 (MANE Select); coding-DNA position 9070 through 53 bases downstream of the stop codon, 155 bases deleted.
Protein change: p.Thr3024fs; shifts the reading frame from threonine 3024.
Molecular consequence: frameshift variant. On other transcripts: intron variant (2).
Genome position (GRCh38, 1-based): chr11:108,365,407-108,365,561, 155 bases deleted. GRCh37 (hg19): chr11:108,236,134-108,236,288.
Other names: c.9070_*53del, p.Thr3024fs (NM_001351834.2); c.640+20361_640+20515del (NM_001330368.2); c.694+20361_694+20515del (NM_001351110.2); short protein forms T3024fs.
Identifiers: ClinVar variation 1071484 (VCV001071484.10), dbSNP rs2137915972, ClinGen allele CA2499220745.

ClinVar aggregate classification (germline): Pathogenic (1 of 4 stars; one submission).

Conditions:
Ataxia-telangiectasia syndrome (AT). Also called: Ataxia telangiectasia (A-T); ATAXIA-TELANGIECTASIA, COMPLEMENTATION GROUP A; ATAXIA-TELANGIECTASIA, FRESNO VARIANT; Ataxia-telangiectasia; Ataxia-telangiectasia, complementation group E; LOUIS-BAR SYNDROME. Identifiers: Orphanet 100, MedGen C0004135, MONDO:0008840, OMIM 208900.

Submission:

Labcorp Genetics (formerly Invitae), Labcorp
Classification: Pathogenic for Ataxia-telangiectasia syndrome. Last evaluated: 2022-09-12. Review status: criteria provided, single submitter. Criteria: Invitae Variant Classification Sherloc (09022015). Collection method: clinical testing. Allele origin: germline.
Comment: For these reasons, this variant has been classified as Pathogenic. This variant disrupts a region of the ATM protein in which other variant(s) (p.Arg3047*) have been determined to be pathogenic (PMID: 8755918, 10980530, 18560558, 19691550, 26628246). This suggests that this is a clinically significant region of the protein, and that variants that disrupt it are likely to be disease-causing. This variant has not been reported in the literature in individuals affected with ATM-related conditions. This sequence change creates a premature translational stop signal (p.Thr3024_Val3056delinsLeuTyrPhe*) in the ATM gene. While this is not anticipated to result in nonsense mediated decay, it is expected to disrupt the last 33 amino acid(s) of the ATM protein.

Literature cited by the submitters: PubMed 8755918; PubMed 10980530; PubMed 18560558; PubMed 19691550; PubMed 26628246.